The following is an entry in ClinVar:

ClinVar aggregate classification (germline): Uncertain significance (1 of 4 stars; one submission).

Conditions:
Norman-Roberts syndrome (LIS2). Also called: Lissencephaly 2 (Norman-Roberts type). Identifiers: Orphanet 89844, MedGen C0796089, MONDO:0009760, OMIM 257320.
Familial temporal lobe epilepsy 7. Identifiers: Orphanet 101046, MedGen C4225327, MONDO:0014639, OMIM 616436.

Allele frequency attached by ClinVar (database versions not stated): ExAC 0.00001; gnomAD 0.00001; gnomAD exomes 0.00001.
gnomAD v4.1: 9 of 1,613,124 alleles (0.00056%); highest among the groups gnomAD compares: East Asian, 0.0022%; no homozygotes.

Submission:

Labcorp Genetics (formerly Invitae), Labcorp
Classification: Uncertain significance for Familial temporal lobe epilepsy 7; Norman-Roberts syndrome. Last evaluated: 2022-09-27. Review status: criteria provided, single submitter. Criteria: Invitae Variant Classification Sherloc (09022015). Collection method: clinical testing. Allele origin: germline.
Comment: Algorithms developed to predict the effect of missense changes on protein structure and function are either unavailable or do not agree on the potential impact of this missense change (SIFT: "Deleterious"; PolyPhen-2: "Probably Damaging"; Align-GVGD: "Class C0"). In summary, the available evidence is currently insufficient to determine the role of this variant in disease. Therefore, it has been classified as a Variant of Uncertain Significance. This variant is present in population databases (rs762035577, gnomAD 0.006%). This sequence change replaces alanine, which is neutral and non-polar, with valine, which is neutral and non-polar, at codon 2394 of the RELN protein (p.Ala2394Val). This variant has not been reported in the literature in individuals affected with RELN-related conditions. ClinVar contains an entry for this variant (Variation ID: 948316).

NM_005045.4(RELN):c.7181C>T (p.Ala2394Val)

Gene: RELN (reelin; minus strand). Cytogenetic location: 7q22.1.
Variant type: single nucleotide variant.
Coding change: c.7181C>T on transcript NM_005045.4 (MANE Select); coding-DNA position 7181, C replaced by T.
Protein change: p.Ala2394Val; replaces alanine 2394 with valine.
Molecular consequence: missense variant.
Genome position (GRCh38, 1-based): chr7:103,535,484, G>A on the plus strand (C>T on the coding strand, the complement: RELN is on the minus strand). VCF-style: chr7-103535484-G-A. GRCh37 (hg19) VCF-style: chr7-103175931-G-A.
Other names: c.7181C>T, p.Ala2394Val (NM_173054.3); short protein forms A2394V.
Identifiers: ClinVar variation 948316 (VCV000948316.6), dbSNP rs762035577, ClinGen allele CA4420781.
Genomic context (GRCh38, chr7:103,535,484, plus strand): 5'-CAGTCCCTTACCAATGGGTGCCATGACAATCCAAGATCTACTGAGTATTCCAATTCAATC[G>A]CTGAAACAGGAAACATTATTTTGGATATAAACACATATCTGCAGACCCAGGAACCATAAT-3'
Protein context (NP_005036.2, residues 2384-2404): ASCSVTDSCY[Ala2394Val]IELEYSVDLG